The following is an entry in ClinVar:

NM_147127.5(EVC2):c.1146-2A>T

Genes: EVC2 (EvC ciliary complex subunit 2; minus strand), LOC126806961 (BRD4-independent group 4 enhancer GRCh37_chr4:5641443-5642642; plus strand). Cytogenetic location: 4p16.2.
Variant type: single nucleotide variant.
Coding change: c.1146-2A>T on transcript NM_147127.5 (MANE Select); the canonical splice acceptor site of the intron before coding-DNA position 1146, A replaced by T.
Molecular consequence: splice acceptor variant.
Genome position (GRCh38, 1-based): chr4:5,640,840, T>A on the plus strand (A>T on the coding strand, the complement: EVC2 is on the minus strand). VCF-style: chr4-5640840-T-A. GRCh37 (hg19) VCF-style: chr4-5642567-T-A.
Other names: c.906-2A>T (NM_001166136.2).
Identifiers: ClinVar variation 2954098 (VCV002954098.3), dbSNP rs1717279590, ClinGen allele CA356152989.
Genomic context (GRCh38, chr4:5,640,840, plus strand): 5'-TTTGTGTTCGACAAGCCTCCAGATCTGCATCTGCCCGATTCAGGGTTGCAATCTCCAACC[T>A]AGGAAACACAAAAATCAAAAGAATTCCATTACATGAAATTGCAACAGAAACCAAAGGTCT-3'

ClinVar aggregate classification (germline): Likely pathogenic (1 of 4 stars; one submission).

Conditions:
Ellis-van Creveld syndrome (EVC). Also called: EVC-Related Ellis-van Creveld Syndrome; EVC2-Related Ellis-van Creveld Syndrome; MESOECTODERMAL DYSPLASIA; Chondroectodermal dysplasia. Identifiers: Orphanet 289, MedGen C0013903, MONDO:0009162, OMIM 225500.
Curry-Hall syndrome (WAD). Also called: WEYERS ACRODENTAL DYSOSTOSIS. Identifiers: Orphanet 952, MedGen C0457013, MONDO:0008673, OMIM 193530.

Submission:

Labcorp Genetics (formerly Invitae), Labcorp
Classification: Likely pathogenic for Curry-Hall syndrome; Ellis-van Creveld syndrome. Last evaluated: 2023-11-21. Review status: criteria provided, single submitter. Criteria: Invitae Variant Classification Sherloc (09022015). Collection method: clinical testing. Allele origin: germline.
Comment: This sequence change affects an acceptor splice site in intron 9 of the EVC2 gene. It is expected to disrupt RNA splicing. Variants that disrupt the donor or acceptor splice site typically lead to a loss of protein function (PMID: 16199547), and loss-of-function variants in EVC2 are known to be pathogenic (PMID: 17024374, 19810119, 19876929). This variant is not present in population databases (gnomAD no frequency). This variant has not been reported in the literature in individuals affected with EVC2-related conditions. Algorithms developed to predict the effect of sequence changes on RNA splicing suggest that this variant may disrupt the consensus splice site. In summary, the currently available evidence indicates that the variant is pathogenic, but additional data are needed to prove that conclusively. Therefore, this variant has been classified as Likely Pathogenic.

Literature cited by the submitters: PubMed 16199547; PubMed 17024374; PubMed 19810119; PubMed 19876929.